The following is an entry in ClinVar:

NM_178012.5(TUBB2B):c.436G>T (p.Gly146Trp)

Gene: TUBB2B (tubulin beta 2B class IIb; minus strand). Cytogenetic location: 6p25.2.
Variant type: single nucleotide variant.
Coding change: c.436G>T on transcript NM_178012.5 (MANE Select); coding-DNA position 436, G replaced by T.
Protein change: p.Gly146Trp; replaces glycine 146 with tryptophan.
Molecular consequence: missense variant.
Genome position (GRCh38, 1-based): chr6:3,225,653, C>A on the plus strand (G>T on the coding strand, the complement: TUBB2B is on the minus strand). VCF-style: chr6-3225653-C-A. GRCh37 (hg19) VCF-style: chr6-3225887-C-A.
Other names: short protein forms G146W.
Identifiers: ClinVar variation 1326656 (VCV001326656.4), dbSNP rs2113819270, ClinGen allele CA362588709.

ClinVar aggregate classification (germline): Uncertain significance. Review status: criteria provided, multiple submitters, no conflicts (2 of 4 stars). 2 submissions from 2 submitters: Uncertain significance (2). Last evaluated 2025-10-23.

Conditions:
Inborn genetic diseases. Identifiers: MedGen C0950123, MeSH D030342.

Submissions (2):

Ambry Genetics
Classification: Uncertain significance for Inborn genetic diseases. Last evaluated: 2025-10-23. Review status: criteria provided, single submitter. Criteria: Ambry Variant Classification Scheme 2023. Collection method: clinical testing. Allele origin: germline.
Comment: The c.436G>T (p.G146W) alteration is located in exon 4 (coding exon 4) of the TUBB2B gene. This alteration results from a G to T substitution at nucleotide position 436, causing the glycine (G) at amino acid position 146 to be replaced by a tryptophan (W). This variant was not reported in population-based cohorts in the Genome Aggregation Database (gnomAD). This amino acid position is highly conserved in available vertebrate species. This missense alteration is located in a region that has a low rate of benign missense variation (Lek, 2016; Firth, 2009). This alteration is predicted to be deleterious by in silico analysis. Based on insufficient or conflicting evidence, the clinical significance of this alteration remains unclear.

GeneDx
Classification: Uncertain significance. Last evaluated: 2021-05-29. Review status: criteria provided, single submitter. Criteria: GeneDx Variant Classification Process June 2021. Collection method: clinical testing. Allele origin: germline. Affected: yes.
Comment: Not observed at significant frequency in large population cohorts (Lek et al., 2016); Missense variants in this gene are often considered pathogenic (Stenson et al., 2014); In silico analysis supports that this missense variant has a deleterious effect on protein structure/function; Has not been previously published as pathogenic or benign to our knowledge; This variant is associated with the following publications: (PMID: 27535533, 24860126)